The following is an entry in ClinVar:

ClinVar aggregate classification (germline): Pathogenic (1 of 4 stars; one submission).

Conditions:
Kabuki syndrome. Also called: NIIKAWA-KUROKI SYNDROME; Kabuki make-up syndrome. Identifiers: Orphanet 2322, MedGen C0796004, MONDO:0016512.

Submission:

Labcorp Genetics (formerly Invitae), Labcorp
Classification: Pathogenic for Kabuki syndrome. Last evaluated: 2018-10-04. Review status: criteria provided, single submitter. Criteria: Invitae Variant Classification Sherloc (09022015). Collection method: clinical testing. Allele origin: germline.
Comment: For these reasons, this variant has been classified as Pathogenic. Loss-of-function variants in KMT2D are known to be pathogenic (PMID: 22126750). This variant has not been reported in the literature in individuals with KMT2D-related disease. This variant is not present in population databases (ExAC no frequency). This sequence change creates a premature translational stop signal (p.Cys2395Thrfs*31) in the KMT2D gene. It is expected to result in an absent or disrupted protein product.

Literature cited by the submitters: PubMed 22126750.

NM_003482.4(KMT2D):c.7183_7214delinsACT (p.Cys2395fs)

Gene: KMT2D (lysine methyltransferase 2D; minus strand). Cytogenetic location: 12q13.12.
Variant type: Indel.
Coding change: c.7183_7214delinsACT on transcript NM_003482.4 (MANE Select); coding-DNA positions 7183 to 7214, the reference bases replaced by ACT.
Protein change: p.Cys2395fs; shifts the reading frame from cysteine 2395.
Molecular consequence: frameshift variant.
Genome position (GRCh38, 1-based): chr12:49,040,556-49,040,587, 32 bases replaced. GRCh37 (hg19): chr12:49,434,339-49,434,370.
Other names: short protein forms C2395fs.
Identifiers: ClinVar variation 664096 (VCV000664096.5), dbSNP rs1592135715, ClinGen allele CA915948399.